The following is an entry in ClinVar:

NM_144999.4(LRRC45):c.1776G>A (p.Ala592=)

Gene: LRRC45 (leucine rich repeat containing 45; plus strand). Cytogenetic location: 17q25.3.
Variant type: single nucleotide variant.
Coding change: c.1776G>A on transcript NM_144999.4 (MANE Select); coding-DNA position 1776, G replaced by A.
Protein change: p.Ala592=; no amino-acid change (alanine 592 retained).
Molecular consequence: synonymous variant.
Genome position (GRCh38, 1-based): chr17:82,030,426, G>A. VCF-style: chr17-82030426-G-A. GRCh37 (hg19) VCF-style: chr17-79988302-G-A.
Identifiers: ClinVar variation 4985894 (VCV004985894.1).

ClinVar aggregate classification (germline): Likely benign (1 of 4 stars; one submission).

Conditions:
LRRC45-related disorder. Also called: LRRC45-related condition.

Submission:

PreventionGenetics, part of Exact Sciences
Classification: Likely benign for LRRC45-related condition. Last evaluated: 2024-10-13. Review status: criteria provided, single submitter. Criteria: ACMG Guidelines, 2015. Collection method: clinical testing. Allele origin: germline.
Comment: This variant is classified as likely benign based on ACMG/AMP sequence variant interpretation guidelines (Richards et al. 2015 PMID: 25741868, with internal and published modifications).